The following is an entry in ClinVar:

ClinVar aggregate classification (germline): Uncertain significance. Review status: criteria provided, multiple submitters, no conflicts (2 of 4 stars). 4 submissions from 4 submitters: Uncertain significance (4). Last evaluated 2025-04-20.

Conditions:
Hereditary cancer-predisposing syndrome. Also called: Hereditary Cancer Syndrome; Neoplastic Syndromes, Hereditary; Tumor predisposition; Hereditary neoplastic syndrome. Identifiers: Orphanet 140162, MedGen C0027672, MeSH D009386, MONDO:0015356.
Microcephaly, normal intelligence and immunodeficiency (NBS). Also called: BERLIN BREAKAGE SYNDROME; Ataxia telangiectasia variant V1; IMMUNODEFICIENCY, MICROCEPHALY, AND CHROMOSOMAL INSTABILITY; SEEMANOVA SYNDROME II; Nijmegen breakage syndrome; Microcephaly with normal intelligence immunodeficiency and lymphoreticular malignancies. Identifiers: Orphanet 647, MedGen C0398791, MONDO:0009623, OMIM 251260.

Allele frequency attached by ClinVar (database versions not stated): TOPMed 0.00001.
gnomAD v4.1: 2 of 1,613,190 alleles (0.00012%); highest among the groups gnomAD compares: Non-Finnish European, 0.00017%; no homozygotes.

Submissions (4):

Labcorp Genetics (formerly Invitae), Labcorp
Classification: Uncertain significance for Microcephaly, normal intelligence and immunodeficiency. Last evaluated: 2025-04-20. Review status: criteria provided, single submitter. Criteria: Invitae Variant Classification Sherloc (09022015). Collection method: clinical testing. Allele origin: germline.
Comment: This sequence change replaces glutamine, which is neutral and polar, with lysine, which is basic and polar, at codon 492 of the NBN protein (p.Gln492Lys). This variant is not present in population databases (gnomAD no frequency). This variant has not been reported in the literature in individuals affected with NBN-related conditions. ClinVar contains an entry for this variant (Variation ID: 230440). An algorithm developed to predict the effect of missense changes on protein structure and function (PolyPhen-2) suggests that this variant is likely to be tolerated. In summary, the available evidence is currently insufficient to determine the role of this variant in disease. Therefore, it has been classified as a Variant of Uncertain Significance.

Ambry Genetics
Classification: Uncertain significance for Hereditary cancer-predisposing syndrome. Last evaluated: 2023-12-26. Review status: criteria provided, single submitter. Criteria: Ambry Variant Classification Scheme 2023. Collection method: clinical testing. Allele origin: germline.

Genome-Nilou Lab
Classification: Uncertain significance for Microcephaly, normal intelligence and immunodeficiency. Last evaluated: 2021-11-07. Review status: criteria provided, single submitter. Criteria: ACMG Guidelines, 2015. Collection method: clinical testing. Allele origin: germline. Affected: no.

Eurofins Ntd Llc (ga)
Classification: Uncertain significance. Last evaluated: 2018-03-12. Review status: criteria provided, single submitter. Criteria: EGL ClinVar v180209 classification definitions. Collection method: clinical testing. Allele origin: germline. Observed: 1 variant allele, 1 heterozygote.

NM_002485.5(NBN):c.1474C>A (p.Gln492Lys)

Gene: NBN (nibrin; minus strand). Cytogenetic location: 8q21.3.
Variant type: single nucleotide variant.
Coding change: c.1474C>A on transcript NM_002485.5 (MANE Select); coding-DNA position 1474, C replaced by A.
Protein change: p.Gln492Lys; replaces glutamine 492 with lysine.
Molecular consequence: missense variant.
Genome position (GRCh38, 1-based): chr8:89,953,615, G>T on the plus strand (C>A on the coding strand, the complement: NBN is on the minus strand). VCF-style: chr8-89953615-G-T. GRCh37 (hg19) VCF-style: chr8-90965843-G-T.
Other names: c.1228C>A, p.Gln410Lys (NM_001024688.3); short protein forms Q492K, Q410K.
Identifiers: ClinVar variation 230440 (VCV000230440.26), dbSNP rs587782130, ClinGen allele CA10578762.